The following is an entry in ClinVar:

NM_001370259.2(MEN1):c.1381G>C (p.Glu461Gln)

Gene: MEN1 (menin 1; minus strand). Cytogenetic location: 11q13.1.
Variant type: single nucleotide variant.
Coding change: c.1381G>C on transcript NM_001370259.2 (MANE Select); coding-DNA position 1381, G replaced by C.
Protein change: p.Glu461Gln; replaces glutamic acid 461 with glutamine.
Molecular consequence: missense variant.
Genome position (GRCh38, 1-based): chr11:64,804,786, C>G on the plus strand (G>C on the coding strand, the complement: MEN1 is on the minus strand). VCF-style: chr11-64804786-C-G. GRCh37 (hg19) VCF-style: chr11-64572258-C-G.
Other names: c.1381G>C (NM_130799.2); c.1396G>C, p.Glu466Gln (NM_000244.4, NM_130800.3, NM_130801.3 and 3 more transcripts); c.1507G>C, p.Glu503Gln (NM_001370251.2); c.1381G>C, p.Glu461Gln (NM_001370260.2, NM_001370261.2, NM_130799.3); c.1276G>C, p.Glu426Gln (NM_001370262.2, NM_001370263.2); short protein forms E426Q, E461Q, E466Q, E503Q.
Identifiers: ClinVar variation 1016733 (VCV001016733.9), dbSNP rs1941566282, ClinGen allele CA381179783.

ClinVar aggregate classification (germline): Uncertain significance. Review status: criteria provided, multiple submitters, no conflicts (2 of 4 stars). 2 submissions from 2 submitters: Uncertain significance (2). Last evaluated 2024-12-07.

Conditions:
Multiple endocrine neoplasia, type 1 (MEN1). Also called: MEN I; WERMER SYNDROME; Endocrine adenomatosis multiple; MEN 1; MEA I. Identifiers: Orphanet 652, MedGen C0025267, MeSH D018761, MONDO:0007540, OMIM 131100.
Hereditary cancer-predisposing syndrome. Also called: Tumor predisposition; Hereditary Cancer Syndrome; Neoplastic Syndromes, Hereditary; Hereditary neoplastic syndrome. Identifiers: Orphanet 140162, MedGen C0027672, MeSH D009386, MONDO:0015356.

Submissions (2):

Ambry Genetics
Classification: Uncertain significance for Hereditary cancer-predisposing syndrome. Last evaluated: 2024-12-07. Review status: criteria provided, single submitter. Criteria: Ambry Variant Classification Scheme 2023. Collection method: clinical testing. Allele origin: germline.
Comment: The p.E461Q variant (also known as c.1381G>C), located in coding exon 9 of the MEN1 gene, results from a G to C substitution at nucleotide position 1381. The glutamic acid at codon 461 is replaced by glutamine, an amino acid with highly similar properties. This amino acid position is conserved. In addition, the in silico prediction for this alteration is inconclusive. Based on the available evidence, the clinical significance of this variant remains unclear.

Labcorp Genetics (formerly Invitae), Labcorp
Classification: Uncertain significance for Multiple endocrine neoplasia, type 1. Last evaluated: 2023-03-29. Review status: criteria provided, single submitter. Criteria: Invitae Variant Classification Sherloc (09022015). Collection method: clinical testing. Allele origin: germline.
Comment: This sequence change replaces glutamic acid, which is acidic and polar, with glutamine, which is neutral and polar, at codon 461 of the MEN1 protein (p.Glu461Gln). This variant is not present in population databases (gnomAD no frequency). In summary, the available evidence is currently insufficient to determine the role of this variant in disease. Therefore, it has been classified as a Variant of Uncertain Significance. Advanced modeling of protein sequence and biophysical properties (such as structural, functional, and spatial information, amino acid conservation, physicochemical variation, residue mobility, and thermodynamic stability) performed at Invitae indicates that this missense variant is expected to disrupt MEN1 protein function. ClinVar contains an entry for this variant (Variation ID: 1016733). This variant has not been reported in the literature in individuals affected with MEN1-related conditions.